The following is an entry in ClinVar:

ClinVar aggregate classification (germline): Pathogenic. Review status: reviewed by expert panel (3 of 4 stars). 2 submissions from 2 submitters: Pathogenic (1). 1 of the submissions does not count toward it. Last evaluated 2016-10-18.

Conditions:
Breast-ovarian cancer, familial, susceptibility to, 1 (BROVCA1). Also called: BRCA1 Hereditary Breast and Ovarian Cancer; OVARIAN CANCER, SUSCEPTIBILITY TO. Identifiers: Orphanet 145, MedGen C2676676, MONDO:0011450, OMIM 604370. Disease mechanism: loss of function.

Submissions (2):

Evidence-based Network for the Interpretation of Germline Mutant Alleles (ENIGMA)
Classification: Pathogenic for Breast-ovarian cancer, familial, susceptibility to, 1. Last evaluated: 2016-10-18. Review status: reviewed by expert panel. Criteria: ENIGMA BRCA1/2 Classification Criteria (2015). Collection method: curation. Allele origin: germline.
Comment: Variant allele predicted to encode a truncated non-functional protein.

Consortium of Investigators of Modifiers of BRCA1/2 (CIMBA), c/o University of Cambridge
Classification: Pathogenic for Breast-ovarian cancer, familial, susceptibility to, 1. Last evaluated: 2015-10-02. Review status: criteria provided, single submitter. Criteria: CIMBA Mutation Classification guidelines May 2016. Collection method: clinical testing. Allele origin: germline. Not counted in ClinVar's aggregate classification.

NM_007294.4(BRCA1):c.2314_2315del (p.Val772fs)

Gene: BRCA1 (BRCA1 DNA repair associated; minus strand). Cytogenetic location: 17q21.31.
Variant type: Deletion.
Coding change: c.2314_2315del on transcript NM_007294.4 (MANE Select); coding-DNA positions 2314 to 2315, 2 bases deleted (GT; older notation c.2314_2315delGT).
Protein change: p.Val772fs; shifts the reading frame from valine 772.
Molecular consequence: frameshift variant. On other transcripts: intron variant (137).
Genome position (GRCh38, 1-based): chr17:43,093,216-43,093,217, AC deleted on the plus strand (GT on the coding strand, the reverse complement: BRCA1 is on the minus strand). VCF-style (leftmost placement, unchanged base first): chr17-43093215-TAC-T. GRCh37 (hg19) VCF-style: chr17-41245232-TAC-T.
Other names: 2433delGT; c.646+1527_646+1528del (NM_001408455.1, NM_001408466.1, NM_001408452.1 and 11 more transcripts); c.577+1527_577+1528del (NM_001408513.1, NM_001408489.1, NM_001408479.1 and 9 more transcripts); c.520+1527_520+1528del (NM_001408503.1, NM_001408505.1, NM_001408504.1); c.523+1527_523+1528del (NM_001408500.1, NM_001408497.1, NM_001408496.1 and 3 more transcripts); c.787+1527_787+1528del (NM_001407973.1, NM_001408403.1, NM_001407983.1 and 17 more transcripts); c.404-2185_404-2184del (NM_001408511.1); c.461-2185_461-2184del (NM_001408507.1, NM_001408506.1); and 43 more; short protein forms V725fs, V772fs, V476fs, V683fs, V701fs, V704fs, V745fs, V746fs.
Identifiers: ClinVar variation 266248 (VCV000266248.7), dbSNP rs886040024, ClinGen allele CA10589864.